The following is an entry in ClinVar:

NM_000836.4(GRIN2D):c.3479G>T (p.Gly1160Val)

Gene: GRIN2D (glutamate ionotropic receptor NMDA type subunit 2D; plus strand). Cytogenetic location: 19q13.33.
Variant type: single nucleotide variant.
Coding change: c.3479G>T on transcript NM_000836.4 (MANE Select); coding-DNA position 3479, G replaced by T.
Protein change: p.Gly1160Val; replaces glycine 1160 with valine.
Molecular consequence: missense variant.
Genome position (GRCh38, 1-based): chr19:48,443,405, G>T. VCF-style: chr19-48443405-G-T. GRCh37 (hg19) VCF-style: chr19-48946662-G-T.
Other names: short protein forms G1160V.
Identifiers: ClinVar variation 2000550 (VCV002000550.6), dbSNP rs1422044339, ClinGen allele CA406676436.

ClinVar aggregate classification (germline): Uncertain significance. Review status: criteria provided, multiple submitters, no conflicts (2 of 4 stars). 2 submissions from 2 submitters: Uncertain significance (2). Last evaluated 2025-11-10.

Submissions (2):

Labcorp Genetics (formerly Invitae), Labcorp
Classification: Uncertain significance. Last evaluated: 2025-11-10. Review status: criteria provided, single submitter. Criteria: Invitae Variant Classification Sherloc (09022015). Collection method: clinical testing. Allele origin: germline.
Comment: This sequence change replaces glycine, which is neutral and non-polar, with valine, which is neutral and non-polar, at codon 1160 of the GRIN2D protein (p.Gly1160Val). This variant is not present in population databases (gnomAD no frequency). This variant has not been reported in the literature in individuals affected with GRIN2D-related conditions. ClinVar contains an entry for this variant (Variation ID: 2000550). Invitae Evidence Modeling of protein sequence and biophysical properties (such as structural, functional, and spatial information, amino acid conservation, physicochemical variation, residue mobility, and thermodynamic stability) indicates that this missense variant is not expected to disrupt GRIN2D protein function with a negative predictive value of 95%. In summary, the available evidence is currently insufficient to determine the role of this variant in disease. Therefore, it has been classified as a Variant of Uncertain Significance.

Dasa
Classification: Uncertain significance. Last evaluated: 2025-08-18. Review status: criteria provided, single submitter. Criteria: DASA Assertion Criteria. Collection method: clinical testing. Allele origin: germline.
Comment: NM_000836.4(GRIN2D):c.3479G>T (p.Gly1160Val) is a missense variant that results in the substitution of glycine with valine. This variant is rare in population databases. Computational prediction algorithms are consistent with a benign effect. The currently available literature and clinical evidence are not sufficient to establish a definitive association between this variant and the reported condition. Therefore, this variant is classified as a variant of uncertain significance.